The following is an entry in ClinVar:

NM_001364905.1(LRBA):c.8469-707_8469-705dup

Gene: LRBA (LPS responsive beige-like anchor protein; minus strand). Cytogenetic location: 4q31.3.
Variant type: Duplication.
Coding change: c.8469-707_8469-705dup on transcript NM_001364905.1 (MANE Select); 707 bases into the intron before coding-DNA position 8469 through 705 bases into the intron before coding-DNA position 8469, 3 bases duplicated (GAG; older notation c.8469-707_8469-705dupGAG).
Molecular consequence: intron variant.
Genome position (GRCh38, 1-based): chr4:150,266,517-150,266,519, CTC duplicated on the plus strand (GAG on the coding strand, the reverse complement: LRBA is on the minus strand). VCF-style (leftmost placement, unchanged base first): chr4-150266516-T-TCTC. GRCh37 (hg19) VCF-style: chr4-151187668-T-TCTC.
Other names: c.8484-707_8484-705dup (NM_001367550.1, NM_001440431.1); c.8502-707_8502-705dup (NM_006726.5); c.8466-707_8466-705dup (NM_001199282.3); c.8517-707_8517-705dup (NM_001440430.1); c.2187-707_2187-705dup (NM_001440432.1); c.2181-707_2181-705dup (NM_001440433.1).
Identifiers: ClinVar variation 2688468 (VCV002688468.2), dbSNP rs76608914, ClinGen allele CA107804587.

ClinVar aggregate classification (germline): Benign (1 of 4 stars; one submission).

Allele frequency attached by ClinVar (database versions not stated): 1000 Genomes Project 30x 0.15943; TOPMed 0.20310; gnomAD 0.20773.

Submission:

Unidad de Genómica Garrahan, Hospital de Pediatría Garrahan
Classification: Benign. Last evaluated: 2024-01-24. Review status: criteria provided, single submitter. Criteria: ACMG Guidelines, 2015. Collection method: clinical testing. Allele origin: germline. Affected: no. Observed: 24 variant alleles.
Comment: This variant is classified as Benign based on local population frequency. This variant was detected in 27% of patients studied by a panel of primary immunodeficiencies. Number of patients: 24. Only high quality variants are reported.